The following is an entry in ClinVar:

ClinVar aggregate classification (germline): Uncertain significance (1 of 4 stars; one submission).

Submission:

GeneDx
Classification: Uncertain significance. Last evaluated: 2022-03-25. Review status: criteria provided, single submitter. Criteria: GeneDx Variant Classification Process June 2021. Collection method: clinical testing. Allele origin: germline. Affected: yes.
Comment: Not observed at significant frequency in large population cohorts (gnomAD); Nucleotide substitution has no predicted effect on splicing and is not conserved across species; Has not been previously published as pathogenic or benign to our knowledge

NM_006005.3(WFS1):c.-2_-1inv

Gene: WFS1 (wolframin ER transmembrane glycoprotein; plus strand). Cytogenetic location: 4p16.1.
Variant type: Inversion.
Coding change: c.-2_-1inv on transcript NM_006005.3 (MANE Select).
Molecular consequence: 5 prime UTR variant. On other transcripts: splice acceptor variant (1).
Genome position: GRCh38 VCF-style: chr4-6277454-GG-CC. GRCh37 (hg19) VCF-style: chr4-6279181-GG-CC.
Other names: c.-1-1_-1inv (NM_001145853.1).
Identifiers: ClinVar variation 1707072 (VCV001707072.2), ClinGen allele CA2580071749.